The following is an entry in ClinVar:

ClinVar aggregate classification (germline): Uncertain significance (1 of 4 stars; one submission).

gnomAD v4.1: 3 of 1,613,902 alleles (0.00019%); highest among the groups gnomAD compares: African/African-American, 0.0027%; no homozygotes.

Submission:

Labcorp Genetics (formerly Invitae), Labcorp
Classification: Uncertain significance. Last evaluated: 2024-06-25. Review status: criteria provided, single submitter. Criteria: Invitae Variant Classification Sherloc (09022015). Collection method: clinical testing. Allele origin: germline.
Comment: This sequence change replaces isoleucine, which is neutral and non-polar, with threonine, which is neutral and polar, at codon 787 of the FN1 protein (p.Ile787Thr). This variant is present in population databases (no rsID available, gnomAD 0.01%). This variant has not been reported in the literature in individuals affected with FN1-related conditions. Advanced modeling of protein sequence and biophysical properties (such as structural, functional, and spatial information, amino acid conservation, physicochemical variation, residue mobility, and thermodynamic stability) performed at Invitae indicates that this missense variant is not expected to disrupt FN1 protein function with a negative predictive value of 80%. In summary, the available evidence is currently insufficient to determine the role of this variant in disease. Therefore, it has been classified as a Variant of Uncertain Significance.

NM_212482.4(FN1):c.2360T>C (p.Ile787Thr)

Gene: FN1 (fibronectin 1; minus strand). Cytogenetic location: 2q35.
Variant type: single nucleotide variant.
Coding change: c.2360T>C on transcript NM_212482.4 (MANE Select); coding-DNA position 2360, T replaced by C.
Protein change: p.Ile787Thr; replaces isoleucine 787 with threonine.
Molecular consequence: missense variant.
Genome position (GRCh38, 1-based): chr2:215,408,366, A>G on the plus strand (T>C on the coding strand, the complement: FN1 is on the minus strand). VCF-style: chr2-215408366-A-G. GRCh37 (hg19) VCF-style: chr2-216273089-A-G.
Other names: c.2360T>C, p.Ile787Thr (NM_001306129.2, NM_001306130.2, NM_001306131.2 and 13 more transcripts); short protein forms I787T.
Identifiers: ClinVar variation 3625408 (VCV003625408.2).
Genomic context (GRCh38, chr2:215,408,366, plus strand): 5'-TGTGAAGTAGACAGGATCAAACTCTGCTCCCCATCCTCAGATATCTGATAGACATTTACA[A>G]TGTATTTTCGGCCAGGAAGCAGGTCAGGGATGTTCACAGAAGTGGCTGTGCTTGGAAGAT-3'
Protein context (NP_997647.2, residues 777-797): IPDLLPGRKY[Ile787Thr]VNVYQISEDG